The following is an entry in ClinVar:

NM_001165963.4(SCN1A):c.4131T>G (p.Ile1377Met)

Genes: SCN1A (sodium voltage-gated channel alpha subunit 1; minus strand), LOC102724058 (uncharacterized LOC102724058; plus strand). Cytogenetic location: 2q24.3.
Variant type: single nucleotide variant.
Coding change: c.4131T>G on transcript NM_001165963.4 (MANE Select); coding-DNA position 4131, T replaced by G.
Protein change: p.Ile1377Met; replaces isoleucine 1377 with methionine.
Molecular consequence: missense variant. On other transcripts: non-coding transcript variant (1).
Genome position (GRCh38, 1-based): chr2:166,002,625, A>C on the plus strand (T>G on the coding strand, the complement: SCN1A is on the minus strand). VCF-style: chr2-166002625-A-C. GRCh37 (hg19) VCF-style: chr2-166859135-A-C.
Other names: c.4047T>G, p.Ile1349Met (NM_001165964.3, NM_001353957.2, NM_001353958.2); c.4131T>G, p.Ile1377Met (NM_001202435.3, NM_001353948.2); c.4098T>G, p.Ile1366Met (NM_001353949.2, NM_001353950.2, NM_001353951.2 and 2 more transcripts); c.4095T>G, p.Ile1365Met (NM_001353954.2, NM_001353955.2); c.4044T>G, p.Ile1348Met (NM_001353960.2); c.1689T>G, p.Ile563Met (NM_001353961.2); short protein forms I1348M, I1349M, I1365M, I1366M, I1377M, I563M.
Identifiers: ClinVar variation 3342223 (VCV003342223.16).
Genomic context (GRCh38, chr2:166,002,625, plus strand): 5'-TAGGCAATCAGTATGATTATTCACGTCTTCGATGTCAAACCTGTCACCAGTTGTGGTGTT[A>C]ATACAGTGGTAGAATTTGCCAGCAAACAAATTTACGCCCATGATGCTGAAAATTAGCCAG-3'
Protein context (NP_001159435.1, residues 1367-1387): NLFAGKFYHC[Ile1377Met]NTTTGDRFDI

ClinVar aggregate classification (germline): Likely pathogenic (1 of 4 stars; one submission).

gnomAD v4.1: 1 of 1,612,042 alleles (0.000062%); highest among the groups gnomAD compares: Non-Finnish European, 0.000085%; no homozygotes.

Submission:

CeGaT Center for Human Genetics Tuebingen
Classification: Likely pathogenic. Last evaluated: 2024-09-01. Review status: criteria provided, single submitter. Criteria: CeGaT Center For Human Genetics Tuebingen Variant Classification Criteria Version 2. Collection method: clinical testing. Allele origin: germline. Affected: yes. Observed: 1 variant allele.
Comment: SCN1A: PM1, PM2, PM5